The following is an entry in ClinVar:

ClinVar aggregate classification (germline): Uncertain significance (1 of 4 stars; one submission).

Conditions:
POLG-related disorder. Also called: POLG-Related Spectrum Disorders; POLG-related condition; POLG-Related Disorders. Identifiers: MedGen C4763519.

Submission:

Myriad Genetics, Inc.
Classification: Uncertain significance for POLG-related disorder. Last evaluated: 2026-04-02. Review status: criteria provided, single submitter. Criteria: Myriad Autosomal Dominant, Autosomal Recessive and X-Linked Classification Criteria (2023). Collection method: clinical testing. Allele origin: unknown.
Comment: NM_002693.2(POLG):c.3104+4_3104+7dupAGAA is an intronic variant classified as a variant of uncertain significance in the context of POLG-related disorders. c.3104+4_3104+7dupAGAA has not been observed in cases with relevant disease. Relevant functional assessments of this variant are not available in the literature. c.3104+4_3104+7dupAGAA has not been observed in referenced population frequency databases. In summary, there is insufficient evidence to classify NM_002693.2(POLG):c.3104+4_3104+7dupAGAA as pathogenic or benign. Please note: this variant was assessed in the context of healthy population screening.

NM_002693.3(POLG):c.3104+4_3104+7dup

Gene: POLG (DNA polymerase gamma, catalytic subunit; minus strand). Cytogenetic location: 15q26.1.
Variant type: Duplication.
Coding change: c.3104+4_3104+7dup on transcript NM_002693.3 (MANE Select); bases 4 to 7 of the intron after coding-DNA position 3104, 4 bases duplicated (AGAA; older notation c.3104+4_3104+7dupAGAA).
Molecular consequence: intron variant.
Genome position (GRCh38, 1-based): chr15:89,319,221-89,319,224, TTCT duplicated on the plus strand (AGAA on the coding strand, the reverse complement: POLG is on the minus strand); duplicating any 4 consecutive bases within chr15:89,319,221-89,319,225 gives the same sequence; the c. name uses the placement nearest the transcript's 3' end. VCF-style (leftmost placement, unchanged base first): chr15-89319220-G-GTTCT. GRCh37 (hg19) VCF-style: chr15-89862451-G-GTTCT.
Other names: c.3104+4_3104+7dup (NM_001126131.2).
Identifiers: ClinVar variation 5004014 (VCV005004014.1).